The following is an entry in ClinVar:

NM_002439.5(MSH3):c.896C>T (p.Ala299Val)

Gene: MSH3 (mutS homolog 3; plus strand). Cytogenetic location: 5q14.1.
Variant type: single nucleotide variant.
Coding change: c.896C>T on transcript NM_002439.5 (MANE Select); coding-DNA position 896, C replaced by T.
Protein change: p.Ala299Val; replaces alanine 299 with valine.
Molecular consequence: missense variant.
Genome position (GRCh38, 1-based): chr5:80,672,347, C>T. VCF-style: chr5-80672347-C-T. GRCh37 (hg19) VCF-style: chr5-79968166-C-T.
Other names: short protein forms A299V.
Identifiers: ClinVar variation 655965 (VCV000655965.14), dbSNP rs1580551915, ClinGen allele CA360267271.

ClinVar aggregate classification (germline): Uncertain significance. Review status: criteria provided, multiple submitters, no conflicts (2 of 4 stars). 4 submissions from 4 submitters: Uncertain significance (4). Last evaluated 2025-12-14.

Conditions:
Endometrial carcinoma. Also called: Endometrial carcinoma, somatic. Identifiers: MedGen C0476089, MONDO:0002447, OMIM 608089, HP:0012114.
Hereditary cancer-predisposing syndrome. Also called: Hereditary neoplastic syndrome; Tumor predisposition; Neoplastic Syndromes, Hereditary; Hereditary Cancer Syndrome. Identifiers: Orphanet 140162, MedGen C0027672, MeSH D009386, MONDO:0015356.

Allele frequency attached by ClinVar (database versions not stated): gnomAD exomes below 0.00001.
gnomAD v4.1: 3 of 1,612,262 alleles (0.00019%); highest among the groups gnomAD compares: Admixed American, 0.0017%; no homozygotes.

Submissions (4):

Labcorp Genetics (formerly Invitae), Labcorp
Classification: Uncertain significance. Last evaluated: 2025-12-14. Review status: criteria provided, single submitter. Criteria: Invitae Variant Classification Sherloc (09022015). Collection method: clinical testing. Allele origin: germline.
Comment: This sequence change replaces alanine, which is neutral and non-polar, with valine, which is neutral and non-polar, at codon 299 of the MSH3 protein (p.Ala299Val). This variant is not present in population databases (gnomAD no frequency). This variant has not been reported in the literature in individuals affected with MSH3-related conditions. ClinVar contains an entry for this variant (Variation ID: 655965). An algorithm developed to predict the effect of missense changes on protein structure and function (PolyPhen-2) suggests that this variant is likely to be disruptive. In summary, the available evidence is currently insufficient to determine the role of this variant in disease. Therefore, it has been classified as a Variant of Uncertain Significance.

Ambry Genetics
Classification: Uncertain significance for Hereditary cancer-predisposing syndrome. Last evaluated: 2024-04-26. Review status: criteria provided, single submitter. Criteria: Ambry Variant Classification Scheme 2023. Collection method: clinical testing. Allele origin: germline.
Comment: The p.A299V variant (also known as c.896C>T), located in coding exon 5 of the MSH3 gene, results from a C to T substitution at nucleotide position 896. The alanine at codon 299 is replaced by valine, an amino acid with similar properties. This amino acid position is well conserved in available vertebrate species. In addition, the in silico prediction for this alteration is inconclusive. Since supporting evidence is limited at this time, the clinical significance of this alteration remains unclear.

Baylor Genetics
Classification: Uncertain significance for Endometrial carcinoma. Last evaluated: 2023-08-23. Review status: criteria provided, single submitter. Criteria: ACMG Guidelines, 2015. Collection method: clinical testing. Allele origin: unknown.

Sema4
Classification: Uncertain significance for Hereditary cancer-predisposing syndrome. Last evaluated: 2022-01-26. Review status: criteria provided, single submitter. Criteria: Sema4 Curation Guidelines. Collection method: curation. Allele origin: germline.
Comment: The MSH3 c.896C>T (p.A299V) variant has not been reported in the literature to our knowledge. It was not observed in the large and broad cohorts of the Genome Aggregation Database (PMID: 32461654). The variant has been reported in ClinVar (Variation ID: 655965). Functional studies have not been performed, and in silico predictions of the variant's effect on protein function are inconclusive. The evidence is insufficient to meet ACMG/AMP criteria for classifying the variant as benign or pathogenic. Thus, the clinical significance of this variant is currently uncertain.